The following is an entry in ClinVar:

ClinVar aggregate classification (germline): Uncertain significance (1 of 4 stars; one submission).

Conditions:
Inborn genetic diseases. Identifiers: MedGen C0950123, MeSH D030342.

Submission:

Ambry Genetics
Classification: Uncertain significance for Inborn genetic diseases. Last evaluated: 2025-12-09. Review status: criteria provided, single submitter. Criteria: Ambry Variant Classification Scheme 2023. Collection method: clinical testing. Allele origin: germline.
Comment: The c.-5A>G variant is located in the 5' untranslated region (5&rsquo; UTR) of the DDX41 gene. This variant results from an A to G substitution 5 bases upstream from the first translated codon. This nucleotide position is not well conserved in available vertebrate species. Based on the available evidence, the clinical significance of this variant remains unclear.

NM_016222.4(DDX41):c.-5A>G

Gene: DDX41 (DEAD-box helicase 41; minus strand). Cytogenetic location: 5q35.3.
Variant type: single nucleotide variant.
Coding change: c.-5A>G on transcript NM_016222.4 (MANE Select); 5 bases upstream of the start codon, A replaced by G.
Molecular consequence: 5 prime UTR variant.
Genome position (GRCh38, 1-based): chr5:177,516,950, T>C on the plus strand (A>G on the coding strand, the complement: DDX41 is on the minus strand). VCF-style: chr5-177516950-T-C. GRCh37 (hg19) VCF-style: chr5-176943951-T-C.
Other names: c.-660A>G (NM_001321732.2); c.-452A>G (NM_001321830.2).
Identifiers: ClinVar variation 4617108 (VCV004617108.1).
Genomic context (GRCh38, chr5:177,516,950, plus strand): 5'-ACACGCGCGGGGTCTCGCCTCTCTCCTACCTTCCGTTCGGGTTCCGACTCCTCCATTCTT[T>C]GCTGCACGCATGCGCGCCACGGCGAAACCCCGCCTCATCCTTGCGTGAGACCCAATCCGA-3'